The following is an entry in ClinVar:

NM_001382637.1(OTUD7A):c.1998G>A (p.Thr666=)

Gene: OTUD7A (OTU deubiquitinase 7A; minus strand). Cytogenetic location: 15q13.3.
Variant type: single nucleotide variant.
Coding change: c.1998G>A on transcript NM_001382637.1 (MANE Select); coding-DNA position 1998, G replaced by A.
Protein change: p.Thr666=; no amino-acid change (threonine 666 retained).
Molecular consequence: synonymous variant.
Genome position (GRCh38, 1-based): chr15:31,484,098, C>T on the plus strand (G>A on the coding strand, the complement: OTUD7A is on the minus strand). VCF-style: chr15-31484098-C-T. GRCh37 (hg19) VCF-style: chr15-31776301-C-T.
Other names: c.1977G>A, p.Thr659= (NM_130901.3).
Identifiers: ClinVar variation 3038244 (VCV003038244.2), dbSNP rs777418666, ClinGen allele CA7453435.

ClinVar aggregate classification (germline): Likely benign (0 of 4 stars; one submission).

Conditions:
OTUD7A-related disorder. Also called: OTUD7A-related condition.

gnomAD v4.1: 109 of 1,602,746 alleles (0.0068%); highest among the groups gnomAD compares: East Asian, 0.0089%; no homozygotes.

Submission:

PreventionGenetics, part of Exact Sciences
Classification: Likely benign for OTUD7A-related condition. Last evaluated: 2019-05-02. Review status: no assertion criteria provided. Collection method: clinical testing. Allele origin: germline.
Comment: This variant is classified as likely benign based on ACMG/AMP sequence variant interpretation guidelines (Richards et al. 2015 PMID: 25741868, with internal and published modifications).